The following is an entry in ClinVar:

ClinVar aggregate classification (germline): Uncertain significance. Review status: criteria provided, multiple submitters, no conflicts (2 of 4 stars). 2 submissions from 2 submitters: Uncertain significance (2). Last evaluated 2025-12-18.

Conditions:
3-methylglutaconic aciduria, type VIIB (MGCA7B). Also called: CLPB Deficiency; 3-methylglutaconic aciduria, type VII, with cataracts, neurologic involvement and neutropenia; 3-methylglutaconic aciduria with cataracts, neurologic involvement and neutropenia. Identifiers: Orphanet 445038, MedGen C5676893, MONDO:0014561, OMIM 616271.
CLPB-related disorder. Also called: CLPB-related condition.

Allele frequency attached by ClinVar (database versions not stated): gnomAD exomes below 0.00001; gnomAD 0.00001; TOPMed 0.00001.
gnomAD v4.1: 3 of 1,614,096 alleles (0.00019%); highest among the groups gnomAD compares: Non-Finnish European, 0.00025%; no homozygotes.

Submissions (2):

Labcorp Genetics (formerly Invitae), Labcorp
Classification: Uncertain significance for 3-methylglutaconic aciduria, type VIIB. Last evaluated: 2025-12-18. Review status: criteria provided, single submitter. Criteria: Invitae Variant Classification Sherloc (09022015). Collection method: clinical testing. Allele origin: germline.
Comment: This sequence change replaces threonine, which is neutral and polar, with alanine, which is neutral and non-polar, at codon 440 of the CLPB protein (p.Thr440Ala). This variant is not present in population databases (gnomAD no frequency). This variant has not been reported in the literature in individuals affected with CLPB-related conditions. ClinVar contains an entry for this variant (Variation ID: 1475535). An algorithm developed to predict the effect of missense changes on protein structure and function (PolyPhen-2) suggests that this variant is likely to be disruptive. In summary, the available evidence is currently insufficient to determine the role of this variant in disease. Therefore, it has been classified as a Variant of Uncertain Significance.

PreventionGenetics, part of Exact Sciences
Classification: Uncertain significance for CLPB-related condition. Last evaluated: 2025-01-10. Review status: criteria provided, single submitter. Criteria: ACMG Guidelines, 2015. Collection method: clinical testing. Allele origin: germline.
Comment: The CLPB c.1318A>G variant is predicted to result in the amino acid substitution p.Thr440Ala. To our knowledge, this variant has not been reported in the literature or in a large population database (gnomAD), indicating this variant is rare. At this time, the clinical significance of this variant is uncertain due to the absence of conclusive functional and genetic evidence.

NM_001258392.3(CLPB):c.1228A>G (p.Thr410Ala)

Genes: CLPB (ClpB family mitochondrial disaggregase; minus strand), LOC126861258 (MED14-independent group 3 enhancer GRCh37_chr11:72012242-72013441; plus strand). Cytogenetic location: 11q13.4.
Variant type: single nucleotide variant.
Coding change: c.1228A>G on transcript NM_001258392.3 (MANE Select); coding-DNA position 1228, A replaced by G.
Protein change: p.Thr410Ala; replaces threonine 410 with alanine.
Molecular consequence: missense variant.
Genome position (GRCh38, 1-based): chr11:72,301,904, T>C on the plus strand (A>G on the coding strand, the complement: CLPB is on the minus strand). VCF-style: chr11-72301904-T-C. GRCh37 (hg19) VCF-style: chr11-72012948-T-C.
Other names: c.1318A>G (NM_030813.5); c.1141A>G, p.Thr381Ala (NM_001258393.3); c.1183A>G, p.Thr395Ala (NM_001258394.3); c.1318A>G, p.Thr440Ala (NM_030813.6); short protein forms T410A, T381A, T395A, T440A.
Identifiers: ClinVar variation 1475535 (VCV001475535.7), dbSNP rs1258428897, ClinGen allele CA381732930.